The following is an entry in ClinVar:

NM_000179.3(MSH6):c.1752T>C (p.Thr584=)

Gene: MSH6 (mutS homolog 6; plus strand). Cytogenetic location: 2p16.3.
Variant type: single nucleotide variant.
Coding change: c.1752T>C on transcript NM_000179.3 (MANE Select); coding-DNA position 1752, T replaced by C.
Protein change: p.Thr584=; no amino-acid change (threonine 584 retained).
Molecular consequence: synonymous variant.
Genome position (GRCh38, 1-based): chr2:47,799,735, T>C. VCF-style: chr2-47799735-T-C. GRCh37 (hg19) VCF-style: chr2-48026874-T-C.
Other names: c.1362T>C, p.Thr454= (NM_001281492.2); c.846T>C, p.Thr282= (NM_001281493.2, NM_001281494.2).
Identifiers: ClinVar variation 1049598 (VCV001049598.2), dbSNP rs1114167777, ClinGen allele CA426121063.
Genomic context (GRCh38, chr2:47,799,735, plus strand): 5'-ACTGGGAAAGTTTTTCATAGGTCAGTTTTCAGATGATCGCCATTGTTCGAGATTTAGGAC[T>C]CTAGTGGCACACTATCCCCCAGTACAAGTTTTATTTGAAAAAGGAAATCTCTCAAAGGAA-3'
Protein context (NP_000170.1, residues 574-594): SDDRHCSRFR[Thr584=]LVAHYPPVQV

ClinVar aggregate classification (germline): Uncertain significance (0 of 4 stars; one submission).

Conditions:
Malignant tumor of breast. Also called: Malignant breast neoplasm; Cancer breast. Identifiers: MedGen C0006142, MONDO:0007254. Disease mechanism: loss of function.

Submission:

Department of Pathology and Laboratory Medicine, Sinai Health System
Classification: Uncertain significance for Malignant tumor of breast. Review status: no assertion criteria provided. Collection method: clinical testing. Allele origin: unknown. Affected: yes. Observed: 1 variant allele. Study: The Canadian Open Genetics Repository (COGR).
Comment: The MSH6 p.Thr584= variant was not identified in the literature nor was it identified in the dbSNP, ClinVar, GeneInsight-COGR, Cosmic, MutDB, UMD-LSDB, Zhejiang Colon Cancer Database, Mismatch Repair Genes Variant Database, MMR Gene Unclassified Variants Database, or the Insight Hereditary Tumors Database. The variant was not identified in the following control databases: the 1000 Genomes Project, the NHLBI GO Exome Sequencing Project, the Exome Aggregation Consortium (August 8th 2016), or the Genome Aggregation Database (Feb 27, 2017). The p.Thr584= variant is not expected to have clinical significance because it does not result in a change of amino acid and is not located in a known consensus splice site. In addition, in silico or computational prediction software programs (SpliceSiteFinder, MaxEntScan, NNSPLICE, GeneSplicer, HumanSpliceFinder) do not predict a difference in splicing. Please note another variant, c.1752T>G at the same position with different nucleotide change and same amino acid change, p.Thr584= was found in Clinvar Database and was classified as likely neutral. In summary, based on the above information the clinical significance of this variant cannot be determined with certainty at this time. This variant is classified as a variant of uncertain significance.